The following is an entry in ClinVar:

ClinVar aggregate classification (germline): Conflicting classifications of pathogenicity. Review status: criteria provided, conflicting classifications (1 of 4 stars). 2 submissions from 2 submitters: Uncertain significance (1); Likely benign (1). Last evaluated 2025-02-16.

Conditions:
Holoprosencephaly 11 (HPE11). Identifiers: Orphanet 2162, MedGen C3280215, MONDO:0013642, OMIM 614226.

gnomAD v4.1: 21 of 1,614,044 alleles (0.0013%); highest among the groups gnomAD compares: Non-Finnish European, 0.0016%; no homozygotes.

Submissions (2):

Laboratory of Genetics, Children's Clinical University Hospital Latvia
Classification: Likely benign. Last evaluated: 2025-02-16. Review status: criteria provided, single submitter. Criteria: ACMG Guidelines, 2015. Collection method: clinical testing. Allele origin: germline. Affected: yes.

Labcorp Genetics (formerly Invitae), Labcorp
Classification: Uncertain significance for Holoprosencephaly 11. Last evaluated: 2024-05-06. Review status: criteria provided, single submitter. Criteria: Invitae Variant Classification Sherloc (09022015). Collection method: clinical testing. Allele origin: germline.
Comment: This sequence change replaces isoleucine, which is neutral and non-polar, with methionine, which is neutral and non-polar, at codon 832 of the CDON protein (p.Ile832Met). This variant is present in population databases (no rsID available, gnomAD 0.09%). This variant has not been reported in the literature in individuals affected with CDON-related conditions. Advanced modeling of protein sequence and biophysical properties (such as structural, functional, and spatial information, amino acid conservation, physicochemical variation, residue mobility, and thermodynamic stability) has been performed at Invitae for this missense variant, however the output from this modeling did not meet the statistical confidence thresholds required to predict the impact of this variant on CDON protein function. In summary, the available evidence is currently insufficient to determine the role of this variant in disease. Therefore, it has been classified as a Variant of Uncertain Significance.

NM_001378964.1(CDON):c.2496T>G (p.Ile832Met)

Gene: CDON (cell adhesion associated, oncogene regulated; minus strand). Cytogenetic location: 11q24.2.
Variant type: single nucleotide variant.
Coding change: c.2496T>G on transcript NM_001378964.1 (MANE Select); coding-DNA position 2496, T replaced by G.
Protein change: p.Ile832Met; replaces isoleucine 832 with methionine.
Molecular consequence: missense variant.
Genome position (GRCh38, 1-based): chr11:125,994,919, A>C on the plus strand (T>G on the coding strand, the complement: CDON is on the minus strand). VCF-style: chr11-125994919-A-C. GRCh37 (hg19) VCF-style: chr11-125864814-A-C.
Other names: c.2496T>G, p.Ile832Met (NM_001243597.3, NM_016952.6); short protein forms I832M.
Identifiers: ClinVar variation 3652383 (VCV003652383.3).